The following is an entry in ClinVar:

NM_001110556.2(FLNA):c.2310C>A (p.Asn770Lys)

Gene: FLNA (filamin A; minus strand). Cytogenetic location: Xq28.
Variant type: single nucleotide variant.
Coding change: c.2310C>A on transcript NM_001110556.2 (MANE Select); coding-DNA position 2310, C replaced by A.
Protein change: p.Asn770Lys; replaces asparagine 770 with lysine.
Molecular consequence: missense variant.
Genome position (GRCh38, 1-based): chrX:154,362,755, G>T on the plus strand (C>A on the coding strand, the complement: FLNA is on the minus strand). VCF-style: chrX-154362755-G-T. GRCh37 (hg19) VCF-style: chrX-153591123-G-T.
Other names: p.Asn770Lys; c.2310C>A, p.Asn770Lys (NM_001456.4); short protein forms N770K.
Identifiers: ClinVar variation 507275 (VCV000507275.14), dbSNP rs202109957, ClinGen allele CA10560957.

ClinVar aggregate classification (germline): Benign/Likely benign. Review status: criteria provided, multiple submitters, no conflicts (2 of 4 stars). 4 submissions from 4 submitters: Benign (3); Likely benign (1). Last evaluated 2026-02-02.

Conditions:
Frontometaphyseal dysplasia (FMD1). Identifiers: Orphanet 1826, MedGen C0265293, MONDO:0015942.
Heterotopia, periventricular, X-linked dominant (PVNH1). Also called: PERIVENTRICULAR NODULAR HETEROTOPIA 4; HETEROTOPIA, PERIVENTRICULAR, 1; PERIVENTRICULAR NODULAR HETEROTOPIA 1; X-linked periventricular heterotopia. Identifiers: Orphanet 2149, Orphanet 82004, MedGen C1848213, MONDO:0010233, OMIM 300049.
Oto-palato-digital syndrome, type II (OPD2). Also called: Otopalatodigital Syndrome Type 2 (FLNA-OPD2); FACIOPALATOOSSEOUS SYNDROME; Otopalatodigital Syndrome, Type II; OPD II SYNDROME. Identifiers: Orphanet 669, Orphanet 90652, MedGen C1844696, MONDO:0010571, OMIM 304120.
Melnick-Needles syndrome (MNS). Also called: Melnick-Needles Syndrome (FLNA-MNS); MELNICK-NEEDLES OSTEODYSPLASTY; OSTEODYSPLASTY OF MELNICK AND NEEDLES. Identifiers: Orphanet 2484, MedGen C0025237, MONDO:0010650, OMIM 309350.

Allele frequency attached by ClinVar (database versions not stated): TOPMed 0.00004; 1000 Genomes Project 30x 0.00021; gnomAD 0.00073.
gnomAD v4.1: 280 of 1,202,094 alleles (0.023%); highest among the groups gnomAD compares: Non-Finnish European, 0.0057%; no homozygotes.

Submissions (4):

Labcorp Genetics (formerly Invitae), Labcorp
Classification: Benign for Oto-palato-digital syndrome, type II; Heterotopia, periventricular, X-linked dominant; Frontometaphyseal dysplasia; Melnick-Needles syndrome. Last evaluated: 2026-02-02. Review status: criteria provided, single submitter. Criteria: Invitae Variant Classification Sherloc (09022015). Collection method: clinical testing. Allele origin: germline.

Blueprint Genetics
Classification: Likely benign. Last evaluated: 2024-10-30. Review status: criteria provided, single submitter. Criteria: ACMG Guidelines, 2015. Collection method: clinical testing. Allele origin: germline.

Mayo Clinic Laboratories, Mayo Clinic
Classification: Benign. Last evaluated: 2023-05-12. Review status: criteria provided, single submitter. Criteria: ACMG Guidelines, 2015. Collection method: clinical testing. Allele origin: germline. Observed: 2 variant alleles.
Comment: BS1, BS2

GeneDx
Classification: Benign. Last evaluated: 2017-03-13. Review status: criteria provided, single submitter. Criteria: GeneDx Variant Classification (06012015). Collection method: clinical testing. Allele origin: germline. Affected: yes.
Comment: This variant is considered likely benign or benign based on one or more of the following criteria: it is a conservative change, it occurs at a poorly conserved position in the protein, it is predicted to be benign by multiple in silico algorithms, and/or has population frequency not consistent with disease.

Literature cited by the submitters: PubMed 31694657 (cited by Mayo Clinic Laboratories, Mayo Clinic).